The following is an entry in ClinVar:

NM_025077.4(TOE1):c.764del (p.Asn255fs)

Gene: TOE1 (target of EGR1, exonuclease; plus strand). Cytogenetic location: 1p34.1.
Variant type: Deletion.
Coding change: c.764del on transcript NM_025077.4 (MANE Select); coding-DNA position 764, one base deleted (A; older notation c.764delA).
Protein change: p.Asn255fs; shifts the reading frame from asparagine 255.
Molecular consequence: frameshift variant.
Genome position (GRCh38, 1-based): chr1:45,342,854, A deleted; the last of 4 consecutive A bases (chr1:45,342,851-45,342,854); deleting any one gives the same sequence. VCF-style (leftmost placement, unchanged base first): chr1-45342850-GA-G. GRCh37 (hg19) VCF-style: chr1-45808522-GA-G.
Other names: short protein forms N255fs.
Identifiers: ClinVar variation 4813066 (VCV004813066.1).
Genomic context (GRCh38, chr1:45,342,850, plus strand): 5'-GCTCTTATGGAGCTTATATGCTAGTGGACCATTACCCTCTTGCGCTGTTGCAGTGAACGG[GA>G]AAATGGGAAGCAGCGGGCAGCTGGCAGCCCACACCTTACCCTGGAGTTCTGCAACTATCC-3'

ClinVar aggregate classification (germline): Likely pathogenic (1 of 4 stars; one submission).

Conditions:
Pontocerebellar hypoplasia type 7. Identifiers: Orphanet 284339, MedGen C3554226, MONDO:0013993, OMIM 614969.

Submission:

Variantyx, Inc.
Classification: Likely pathogenic for Pontocerebellar hypoplasia type 7. Last evaluated: 2026-01-08. Review status: criteria provided, single submitter. Criteria: Variantyx Assertion Criteria 2022. Collection method: clinical testing. Allele origin: germline. Inheritance: Autosomal recessive inheritance. Affected: yes.
Comment: This is a frameshift variant in the TOE1 gene (OMIM: 613931). Pathogenic variants in this gene have been associated with autosomal recessive pontocerebellar hypoplasia type 7. This variant introduces a premature termination codon in exon 7 out of 8. It is expected to result in loss of function, which is a known disease mechanism for TOE1 in this disorder (PMID:28092684) (PVS1). This variant has a 0.0027% maximum allele frequency in non-founder control populations (PM2. This variant has not been reported in individuals with TOE1-related disorders in the databases available for review. Based on the current evidence, this variant is classified as likely pathogenic for autosomal recessive pontocerebellar hypoplasia type 7.

Literature cited by the submitters: PubMed 28092684.